The following is an entry in ClinVar:

ClinVar aggregate classification (germline): Benign. Review status: criteria provided, single submitter (1 of 4 stars). 2 submissions from 2 submitters: Benign (1). 1 of the submissions does not count toward it. Last evaluated 2025-08-23.

Conditions:
EXPH5-related disorder. Also called: EXPH5-related condition.

Allele frequency attached by ClinVar (database versions not stated): gnomAD exomes 0.00015 and 0.00025; ExAC 0.00029; ESP Exome Variant Server 0.00108; 1000 Genomes Project 30x 0.00109; gnomAD 0.00110 and 0.00121; 1000 Genomes Project 0.00120; TOPMed 0.00126.
gnomAD v4.1: 404 of 1,614,170 alleles (0.025%); highest among the groups gnomAD compares: African/African-American, 0.41%; 3 homozygotes.

Submissions (2):

Labcorp Genetics (formerly Invitae), Labcorp
Classification: Benign. Last evaluated: 2025-08-23. Review status: criteria provided, single submitter. Criteria: Invitae Variant Classification Sherloc (09022015). Collection method: clinical testing. Allele origin: germline.

PreventionGenetics, part of Exact Sciences
Classification: Likely benign for EXPH5-related condition. Last evaluated: 2019-03-01. Review status: no assertion criteria provided. Collection method: clinical testing. Allele origin: germline. Not counted in ClinVar's aggregate classification.
Comment: This variant is classified as likely benign based on ACMG/AMP sequence variant interpretation guidelines (Richards et al. 2015 PMID: 25741868, with internal and published modifications).

NM_015065.3(EXPH5):c.4878A>G (p.Arg1626=)

Gene: EXPH5 (exophilin 5; minus strand). Cytogenetic location: 11q22.3.
Variant type: single nucleotide variant.
Coding change: c.4878A>G on transcript NM_015065.3 (MANE Select); coding-DNA position 4878, A replaced by G.
Protein change: p.Arg1626=; no amino-acid change (arginine 1626 retained).
Molecular consequence: synonymous variant.
Genome position (GRCh38, 1-based): chr11:108,510,629, T>C on the plus strand (A>G on the coding strand, the complement: EXPH5 is on the minus strand). VCF-style: chr11-108510629-T-C. GRCh37 (hg19) VCF-style: chr11-108381356-T-C.
Other names: c.4650A>G, p.Arg1550= (NM_001144763.2); c.4410A>G, p.Arg1470= (NM_001144764.2); c.4314A>G, p.Arg1438= (NM_001144765.2); c.4857A>G, p.Arg1619= (NM_001308019.2).
Identifiers: ClinVar variation 790104 (VCV000790104.6), dbSNP rs111589735, ClinGen allele CA6267444.